The following is an entry in ClinVar:

ClinVar aggregate classification (germline): Uncertain significance. Review status: criteria provided, multiple submitters, no conflicts (2 of 4 stars). 2 submissions from 2 submitters: Uncertain significance (2). Last evaluated 2025-09-26.

Conditions:
Cranium bifidum occultum. Also called: CATLIN MARKS; CRANIUM BIFIDUM, HEREDITARY; Enlarged Parietal Foramina. Identifiers: MedGen C1868598, HP:0004423.
Inborn genetic diseases. Identifiers: MedGen C0950123, MeSH D030342.

Allele frequency attached by ClinVar (database versions not stated): gnomAD exomes 0.00002; ExAC 0.00005; gnomAD 0.00005 and 0.00006; TOPMed 0.00006.

Submissions (2):

Labcorp Genetics (formerly Invitae), Labcorp
Classification: Uncertain significance for Cranium bifidum occultum. Last evaluated: 2025-09-26. Review status: criteria provided, single submitter. Criteria: Invitae Variant Classification Sherloc (09022015). Collection method: clinical testing. Allele origin: germline.
Comment: This sequence change replaces glutamic acid, which is acidic and polar, with valine, which is neutral and non-polar, at codon 32 of the MSX2 protein (p.Glu32Val). This variant is present in population databases (rs780593593, gnomAD 0.02%). This variant has not been reported in the literature in individuals affected with MSX2-related conditions. ClinVar contains an entry for this variant (Variation ID: 1468184). An algorithm developed to predict the effect of missense changes on protein structure and function (PolyPhen-2) suggests that this variant is likely to be tolerated. In summary, the available evidence is currently insufficient to determine the role of this variant in disease. Therefore, it has been classified as a Variant of Uncertain Significance.

Ambry Genetics
Classification: Uncertain significance for Inborn genetic diseases. Last evaluated: 2022-07-06. Review status: criteria provided, single submitter. Criteria: Ambry Variant Classification Scheme 2023. Collection method: clinical testing. Allele origin: germline.

NM_002449.5(MSX2):c.95A>T (p.Glu32Val)

Gene: MSX2 (msh homeobox 2; plus strand). Cytogenetic location: 5q35.2.
Variant type: single nucleotide variant.
Coding change: c.95A>T on transcript NM_002449.5 (MANE Select); coding-DNA position 95, A replaced by T.
Protein change: p.Glu32Val; replaces glutamic acid 32 with valine.
Molecular consequence: missense variant.
Genome position (GRCh38, 1-based): chr5:174,724,754, A>T. VCF-style: chr5-174724754-A-T. GRCh37 (hg19) VCF-style: chr5-174151757-A-T.
Other names: c.95A>T (NM_002449.4); c.95A>T, p.Glu32Val (NM_001363626.2); short protein forms E32V.
Identifiers: ClinVar variation 1468184 (VCV001468184.7), dbSNP rs780593593, ClinGen allele CA3565102.
Genomic context (GRCh38, chr5:174,724,754, plus strand): 5'-CGCCCGACGAGGAGGGCCCAGCAGTGGTGGCCGGACCAGGCCCGGGGCCTGGGGGCGCCG[A>T]GGGGGCCGCGGAGGAGCGCCGCGTCAAGGTCTCCAGCCTGCCCTTCAGCGTGGAGGCGCT-3'
Protein context (NP_002440.2, residues 22-42): AGPGPGPGGA[Glu32Val]GAAEERRVKV